The following is an entry in ClinVar:

ClinVar aggregate classification (germline): Uncertain significance. Review status: reviewed by expert panel (3 of 4 stars). 4 submissions from 4 submitters: Uncertain significance (1). 3 of the submissions do not count toward it. Last evaluated 2023-11-16.

Conditions:
Marfan syndrome (MFS). Also called: MARFAN SYNDROME, TYPE I; FBN1-Related Marfan Syndrome; Marfan syndrome type 1; Marfan's syndrome; Marfan syndrome, classic. Identifiers: Orphanet 284963, Orphanet 558, MedGen C0024796, MONDO:0007947, OMIM 154700.
Familial thoracic aortic aneurysm and aortic dissection (TAAD). Also called: Thoracic aortic aneurysms and dissections. Identifiers: Orphanet 91387, MedGen C4707243, MONDO:0019625.

Allele frequency attached by ClinVar (database versions not stated): gnomAD exomes below 0.00001 and 0.00001; TOPMed below 0.00001; ExAC 0.00001.
gnomAD v4.1: 4 of 1,613,766 alleles (0.00025%); highest among the groups gnomAD compares: East Asian, 0.0022%; no homozygotes.

Submissions (4):

ClinGen FBN1 Variant Curation Expert Panel, ClinGen
Classification: Uncertain significance for Marfan syndrome. Last evaluated: 2023-11-16. Review status: reviewed by expert panel. Criteria: Assertion Criteria VCEP FBN1 Version 1. Collection method: curation. Allele origin: germline. Inheritance: Autosomal dominant inheritance.
Comment: NM_00138 c.1825C>T is a missense variant in FBN1 predicted to cause a substitution of an arginine by cysteine at amino acid 609 (p.Arg609Cys). This variant was found in a proband with thoracic aortic aneurysm and dissection (TAAD) and a proband with minor skeletal features (PMID: 32154576; Bichat internal data). This variant is present in gnomAD (BS1; 2/18384 [0.011%] East Asian alleles). It has been submitted to ClinVar twice, once as likely pathogenic and once as of uncertain significance (Variation ID: 439709). This variant introduces a novel cysteine residue which may impede the normal formation of critical disulfide bridges (PM1). Computational prediction tools and conservation analysis suggest that this variant may impact the protein’s structure or function (PP3). In summary, this variant meets criteria to be classified as likely pathogenic for Marfan syndrome based on the ACMG/AMP criteria applied, as specified by the ClinGen FBN1 VCEP: Due to the conflicting and insufficient evidence, this variant is classified as uncertain significance for Marfan syndrome based on the ACMG/AMP criteria applied, as specified by the ClinGen FBN1 VCEP: BS1, PM1, PP3.

Labcorp Genetics (formerly Invitae), Labcorp
Classification: Likely benign for Marfan syndrome; Familial thoracic aortic aneurysm and aortic dissection. Last evaluated: 2024-06-05. Review status: criteria provided, single submitter. Criteria: Invitae Variant Classification Sherloc (09022015). Collection method: clinical testing. Allele origin: germline. Not counted in ClinVar's aggregate classification.

Color Diagnostics, LLC DBA Color Health
Classification: Uncertain significance for Familial thoracic aortic aneurysm and aortic dissection. Last evaluated: 2019-06-25. Review status: criteria provided, single submitter. Criteria: ACMG Guidelines, 2015. Collection method: clinical testing. Allele origin: germline. Not counted in ClinVar's aggregate classification.
Comment: This missense variant replaces arginine with cysteine at codon 609 of the FBN1 protein. Computational prediction tools and conservation analyses suggest that this variant may have deleterious impact on the protein function. Computational splicing tools suggest that this variant may not impact RNA splicing. To our knowledge, functional assays have not been performed for this variant nor has this variant been reported in individuals affected with cardiovascular disorders in the literature. This variant has been identified in 2/251334 chromosomes in the general population by the Genome Aggregation Database (gnomAD). Available evidence is insufficient to determine the role of this variant in disease conclusively. Therefore, this variant is classified as a Variant of Uncertain Significance.

ARUP Laboratories, Molecular Genetics and Genomics, ARUP Laboratories
Classification: Likely pathogenic. Last evaluated: 2016-11-23. Review status: criteria provided, single submitter. Criteria: ARUP Molecular Germline Variant Investigation Process. Collection method: clinical testing. Allele origin: germline. Not counted in ClinVar's aggregate classification.

NM_000138.5(FBN1):c.1825C>T (p.Arg609Cys)

Gene: FBN1 (fibrillin 1; minus strand). Cytogenetic location: 15q21.1.
Variant type: single nucleotide variant.
Coding change: c.1825C>T on transcript NM_000138.5 (MANE Select); coding-DNA position 1825, C replaced by T.
Protein change: p.Arg609Cys; replaces arginine 609 with cysteine.
Molecular consequence: missense variant.
Genome position (GRCh38, 1-based): chr15:48,508,594, G>A on the plus strand (C>T on the coding strand, the complement: FBN1 is on the minus strand). VCF-style: chr15-48508594-G-A. GRCh37 (hg19) VCF-style: chr15-48800791-G-A.
Other names: NM_000138.5(FBN1):c.1825C>T; short protein forms R609C.
Identifiers: ClinVar variation 439709 (VCV000439709.14), dbSNP rs772574901, ClinGen allele CA045974.